The following is an entry in ClinVar:

NM_000038.6(APC):c.758del (p.Gly253fs)

Gene: APC (APC regulator of Wnt signaling pathway; plus strand). Cytogenetic location: 5q22.2.
Variant type: Deletion.
Coding change: c.758del on transcript NM_000038.6 (MANE Select); coding-DNA position 758, one base deleted (G; older notation c.758delG).
Protein change: p.Gly253fs; shifts the reading frame from glycine 253.
Molecular consequence: frameshift variant. On other transcripts: 5 prime UTR variant (4), non-coding transcript variant (2).
Genome position (GRCh38, 1-based): chr5:112,801,307, G deleted; the last of 2 consecutive G bases (chr5:112,801,306-112,801,307); deleting either gives the same sequence. VCF-style (leftmost placement, unchanged base first): chr5-112801305-CG-C. GRCh37 (hg19) VCF-style: chr5-112137002-CG-C.
Other names: c.758del, p.Gly253fs (NM_001354896.2, NM_001354903.2, NM_001127510.3 and 12 more transcripts); c.788del, p.Gly263fs (NM_001354897.2, NM_001407446.1, NM_001354902.2); c.683del, p.Gly228fs (NM_001354898.2, NM_001354904.2, NM_001407451.1); c.674del, p.Gly225fs (NM_001354899.2, NM_001407452.1, NM_001407467.1 and 1 more transcripts); c.-278del (NM_001354906.2, NM_001407470.1, NM_001407471.1 and 1 more transcripts); c.581del, p.Gly194fs (NM_001354900.2, NM_001354901.2, NM_001354905.2 and 1 more transcripts); c.704del, p.Gly235fs (NM_001127511.3); short protein forms G194fs, G235fs, G253fs, G263fs, G225fs, G228fs.
Identifiers: ClinVar variation 2694649 (VCV002694649.3), dbSNP rs2149711589, ClinGen allele CA445755618.

ClinVar aggregate classification (germline): Pathogenic (1 of 4 stars; one submission).

Conditions:
Familial adenomatous polyposis 1 (FAP1). Also called: FAMILIAL ADENOMATOUS POLYPOSIS 1, ATTENUATED; POLYPOSIS, ADENOMATOUS INTESTINAL. Identifiers: MedGen C2713442, MONDO:0021056, OMIM 175100. Disease mechanism: loss of function.

Submission:

Labcorp Genetics (formerly Invitae), Labcorp
Classification: Pathogenic for Familial adenomatous polyposis 1. Last evaluated: 2023-11-17. Review status: criteria provided, single submitter. Criteria: Invitae Variant Classification Sherloc (09022015). Collection method: clinical testing. Allele origin: germline.
Comment: This sequence change creates a premature translational stop signal (p.Gly253Alafs*40) in the APC gene. It is expected to result in an absent or disrupted protein product. Loss-of-function variants in APC are known to be pathogenic (PMID: 17963004, 20685668). This variant is not present in population databases (gnomAD no frequency). This variant has not been reported in the literature in individuals affected with APC-related conditions. For these reasons, this variant has been classified as Pathogenic.

Literature cited by the submitters: PubMed 17963004; PubMed 20685668.